The following is an entry in ClinVar:

ClinVar aggregate classification (germline): Uncertain significance. Review status: criteria provided, multiple submitters, no conflicts (2 of 4 stars). 3 submissions from 3 submitters: Uncertain significance (3). Last evaluated 2026-09-01.

Conditions:
Inborn genetic diseases. Identifiers: MedGen C0950123, MeSH D030342.
Posterior column ataxia-retinitis pigmentosa syndrome (RETSNS). Also called: RETINOPATHY-SENSORY NEUROPATHY SYNDROME. Identifiers: Orphanet 88628, MedGen C1836916, MONDO:0012177, OMIM 609033.

Allele frequency attached by ClinVar (database versions not stated): ESP Exome Variant Server 0.00008; ExAC 0.00011; gnomAD exomes 0.00015 and 0.00019; 1000 Genomes Project 30x 0.00016; TOPMed 0.00017; 1000 Genomes Project 0.00020; gnomAD 0.00027 and 0.00028.
gnomAD v4.1: 314 of 1,614,210 alleles (0.019%); highest among the groups gnomAD compares: Non-Finnish European, 0.025%; no homozygotes.

Submissions (3):

CeGaT Center for Human Genetics Tuebingen
Classification: Uncertain significance. Last evaluated: 2026-09-01. Review status: criteria provided, single submitter. Criteria: CeGaT Center For Human Genetics Tuebingen Variant Classification Criteria Version 2. Collection method: clinical testing. Allele origin: germline. Affected: yes. Observed: 1 variant allele.
Comment: FLVCR2: PM2

Ambry Genetics
Classification: Uncertain significance for Inborn genetic diseases. Last evaluated: 2024-01-12. Review status: criteria provided, single submitter. Criteria: Ambry Variant Classification Scheme 2023. Collection method: clinical testing. Allele origin: germline.

Illumina Laboratory Services, Illumina
Classification: Uncertain significance for Posterior column ataxia-retinitis pigmentosa syndrome. Last evaluated: 2018-01-13. Review status: criteria provided, single submitter. Criteria: ICSL Variant Classification Criteria 13 December 2019. Collection method: clinical testing. Allele origin: germline.

NM_017791.3(FLVCR2):c.421G>A (p.Val141Met)

Genes: FLVCR2 (FLVCR choline and putative heme transporter 2; plus strand), FLVCR2-AS1 (FLVCR2 antisense RNA 1; minus strand). Cytogenetic location: 14q24.3.
Variant type: single nucleotide variant.
Coding change: c.421G>A on transcript NM_017791.3 (MANE Select); coding-DNA position 421, G replaced by A.
Protein change: p.Val141Met; replaces valine 141 with methionine.
Molecular consequence: missense variant. On other transcripts: non-coding transcript variant (1).
Genome position (GRCh38, 1-based): chr14:75,579,393, G>A. VCF-style: chr14-75579393-G-A. GRCh37 (hg19) VCF-style: chr14-76045736-G-A.
Other names: short protein forms V141M.
Identifiers: ClinVar variation 314412 (VCV000314412.8), dbSNP rs193042691, ClinGen allele CA7278211.